The following is an entry in ClinVar:

ClinVar aggregate classification (germline): Benign (1 of 4 stars; one submission).

Submission:

CeGaT Center for Human Genetics Tuebingen
Classification: Benign. Last evaluated: 2024-08-01. Review status: criteria provided, single submitter. Criteria: CeGaT Center For Human Genetics Tuebingen Variant Classification Criteria Version 2. Collection method: clinical testing. Allele origin: germline. Affected: yes. Observed: 1 variant allele.
Comment: AHR: BS1, BS2; ENSG00000237773: BS1, BS2

NC_000007.14:g.17296625_17296629del

Gene: AHR (aryl hydrocarbon receptor; plus strand). Cytogenetic location: 7p21.1.
Variant type: Deletion.
Genome position: GRCh38 VCF-style: chr7-17296620-TTAAGG-T. GRCh37 (hg19) VCF-style: chr7-17336244-TTAAGG-T.
Identifiers: ClinVar variation 3341828 (VCV003341828.16).